The following is an entry in ClinVar:

ClinVar aggregate classification (germline): Pathogenic (1 of 4 stars; one submission).

Conditions:
Neurodevelopmental disorder with hypotonia and dysmorphic facies. Identifiers: MedGen C5561974, MONDO:0859185, OMIM 619503.

Submission:

Imagene.me medical diagnostic laboratory, IMAGENE.ME SA
Classification: Pathogenic for Neurodevelopmental disorder with hypotonia and dysmorphic facies. Review status: criteria provided, single submitter. Criteria: IMAGENE.ME Variant Classification SOP 2022. Collection method: clinical testing. Allele origin: de novo. Affected: yes.
Comment: Classified according to the IMAGENE.ME variant classification SOP based on the ACMG guidelines as Pathogenic (P): PS2_Moderate + PM1 + PM2 + PP3_Moderate + PP2 + PP4

NM_005273.4(GNB2):c.227A>G (p.Asp76Gly)

Gene: GNB2 (G protein subunit beta 2; plus strand). Cytogenetic location: 7q22.1.
Variant type: single nucleotide variant.
Coding change: c.227A>G on transcript NM_005273.4 (MANE Select); coding-DNA position 227, A replaced by G.
Protein change: p.Asp76Gly; replaces aspartic acid 76 with glycine.
Molecular consequence: missense variant.
Genome position (GRCh38, 1-based): chr7:100,677,375, A>G. VCF-style: chr7-100677375-A-G. GRCh37 (hg19) VCF-style: chr7-100274998-A-G.
Other names: short protein forms D76G.
Identifiers: ClinVar variation 4685512 (VCV004685512.1).